The following is an entry in ClinVar:

ClinVar aggregate classification (germline): Uncertain significance (1 of 4 stars; one submission).

Conditions:
Epidermolysis bullosa simplex with nail dystrophy (EBS5D). Identifiers: MedGen C4225309, MONDO:0014661, OMIM 616487.
Epidermolysis bullosa simplex 5B, with muscular dystrophy (EBS5B). Also called: EPIDERMOLYSIS BULLOSA SIMPLEX AND LIMB-GIRDLE MUSCULAR DYSTROPHY; Epidermolysis bullosa simplex with muscular dystrophy. Identifiers: Orphanet 257, MedGen C2931072, MONDO:0009181, OMIM 226670.
Epidermolysis bullosa simplex, Ogna type (EBS5A). Also called: Pidermolysis bullosa simplex 5A, Ogna type; EPIDERMOLYSIS BULLOSA SIMPLEX 5A, OGNA TYPE. Identifiers: Orphanet 79401, MedGen C0432317, MONDO:0007555, OMIM 131950.
Autosomal recessive limb-girdle muscular dystrophy type 2Q (LGMDR17). Also called: MUSCULAR DYSTROPHY, LIMB-GIRDLE, AUTOSOMAL RECESSIVE 17. Identifiers: Orphanet 254361, MedGen C3150989, MONDO:0013390, OMIM 613723.
Epidermolysis bullosa simplex 5C, with pyloric atresia (EBS5C). Also called: PLEC-Related Epidermolysis Bullosa with Pyloric Atresia; Epidermolysis bullosa simplex with pyloric atresia; PLEC1-Related Epidermolysis Bullosa with Pyloric Atresia. Identifiers: Orphanet 158684, MedGen C2677349, MONDO:0012807, OMIM 612138.

Allele frequency attached by ClinVar (database versions not stated): gnomAD exomes below 0.00001.
gnomAD v4.1: 1 of 1,613,206 alleles (0.000062%); highest among the groups gnomAD compares: Non-Finnish European, 0.000085%; no homozygotes.

Submission:

Labcorp Genetics (formerly Invitae), Labcorp
Classification: Uncertain significance for Autosomal recessive limb-girdle muscular dystrophy type 2Q; Epidermolysis bullosa simplex, Ogna type; Epidermolysis bullosa simplex with nail dystrophy; Epidermolysis bullosa simplex 5C, with pyloric atresia; Epidermolysis bullosa simplex 5B, with muscular dystrophy. Last evaluated: 2017-10-24. Review status: criteria provided, single submitter. Criteria: Invitae Variant Classification Sherloc (09022015). Collection method: clinical testing. Allele origin: germline.
Comment: This sequence change replaces glycine with aspartic acid at codon 3696 of the PLEC protein (p.Gly3696Asp). The glycine residue is highly conserved and there is a moderate physicochemical difference between glycine and aspartic acid. This variant is not present in population databases (ExAC no frequency). This variant has not been reported in the literature in individuals with PLEC-related disease. Algorithms developed to predict the effect of missense changes on protein structure and function do not agree on the potential impact of this missense change (SIFT: "Tolerated"; PolyPhen-2: "Probably Damaging"; Align-GVGD: "Class C0"). In summary, the available evidence is currently insufficient to determine the role of this variant in disease. Therefore, it has been classified as a Variant of Uncertain Significance.

NM_201384.3(PLEC):c.11006G>A (p.Gly3669Asp)

Gene: PLEC (plectin; minus strand). Cytogenetic location: 8q24.3.
Variant type: single nucleotide variant.
Coding change: c.11006G>A on transcript NM_201384.3 (MANE Select); coding-DNA position 11006, G replaced by A.
Protein change: p.Gly3669Asp; replaces glycine 3669 with aspartic acid.
Molecular consequence: missense variant.
Genome position (GRCh38, 1-based): chr8:143,918,815, C>T on the plus strand (G>A on the coding strand, the complement: PLEC is on the minus strand). VCF-style: chr8-143918815-C-T. GRCh37 (hg19) VCF-style: chr8-144992983-C-T.
Other names: c.11087G>A, p.Gly3696Asp (NM_000445.5); c.10964G>A, p.Gly3655Asp (NM_201378.4); c.10940G>A, p.Gly3647Asp (NM_201379.3); c.11417G>A, p.Gly3806Asp (NM_201380.4); c.10910G>A, p.Gly3637Asp (NM_201381.3); c.11006G>A, p.Gly3669Asp (NM_201382.4); c.11018G>A, p.Gly3673Asp (NM_201383.3); short protein forms G3637D, G3673D, G3647D, G3669D, G3696D, G3655D, G3806D.
Identifiers: ClinVar variation 538994 (VCV000538994.1), dbSNP rs1554676292, ClinGen allele CA372494955.